The following is an entry in ClinVar:

ClinVar aggregate classification (germline): Uncertain significance (1 of 4 stars; one submission).

gnomAD v4.1: 2 of 1,614,098 alleles (0.00012%); no homozygotes.

Submission:

Ambry Genetics
Classification: Uncertain significance. Last evaluated: 2022-11-04. Review status: criteria provided, single submitter. Criteria: Ambry Variant Classification Scheme 2023. Collection method: clinical testing. Allele origin: germline.
Comment: The p.A32G variant (also known as c.95C>G), located in coding exon 1 of the PALLD gene, results from a C to G substitution at nucleotide position 95. The alanine at codon 32 is replaced by glycine, an amino acid with similar properties. This amino acid position is conserved. In addition, the in silico prediction for this alteration is inconclusive. Since supporting evidence is limited at this time, the clinical significance of this alteration remains unclear.

NM_001166108.2(PALLD):c.95C>G (p.Ala32Gly)

Gene: PALLD (palladin, cytoskeletal associated protein; plus strand). Cytogenetic location: 4q32.3.
Variant type: single nucleotide variant.
Coding change: c.95C>G on transcript NM_001166108.2 (MANE Select); coding-DNA position 95, C replaced by G.
Protein change: p.Ala32Gly; replaces alanine 32 with glycine.
Molecular consequence: missense variant.
Genome position (GRCh38, 1-based): chr4:168,511,599, C>G. VCF-style: chr4-168511599-C-G. GRCh37 (hg19) VCF-style: chr4-169432750-C-G.
Other names: c.95C>G, p.Ala32Gly (NM_016081.4); short protein forms A32G.
Identifiers: ClinVar variation 2448442 (VCV002448442.2), dbSNP rs751923889, ClinGen allele CA358724458.